The following is an entry in ClinVar:

ClinVar aggregate classification (germline): Uncertain significance. Review status: criteria provided, multiple submitters, no conflicts (2 of 4 stars). 3 submissions from 3 submitters: Uncertain significance (3). Last evaluated 2024-07-14.

Conditions:
DYRK1A-related intellectual disability syndrome (MRD7). Also called: Intellectual developmental disorder, autosomal dominant 7; DYRK1A Syndrome. Identifiers: Orphanet 464306, MedGen C5568143, MONDO:0013578, OMIM 614104.

gnomAD v4.1: 5 of 1,611,154 alleles (0.00031%); highest among the groups gnomAD compares: South Asian, 0.0055%; no homozygotes.

Submissions (3):

Labcorp Genetics (formerly Invitae), Labcorp
Classification: Uncertain significance for DYRK1A-related intellectual disability syndrome. Last evaluated: 2024-07-14. Review status: criteria provided, single submitter. Criteria: Invitae Variant Classification Sherloc (09022015). Collection method: clinical testing. Allele origin: germline.
Comment: This sequence change replaces serine, which is neutral and polar, with threonine, which is neutral and polar, at codon 41 of the DYRK1A protein (p.Ser41Thr). This variant is present in population databases (rs754161665, gnomAD 0.007%). This variant has not been reported in the literature in individuals affected with DYRK1A-related conditions. Advanced modeling of protein sequence and biophysical properties (such as structural, functional, and spatial information, amino acid conservation, physicochemical variation, residue mobility, and thermodynamic stability) performed at Invitae indicates that this missense variant is not expected to disrupt DYRK1A protein function with a negative predictive value of 95%. In summary, the available evidence is currently insufficient to determine the role of this variant in disease. Therefore, it has been classified as a Variant of Uncertain Significance.

Revvity Omics, Revvity
Classification: Uncertain significance for DYRK1A-related intellectual disability syndrome. Last evaluated: 2023-09-26. Review status: criteria provided, single submitter. Criteria: ACMG Guidelines, 2015. Collection method: clinical testing. Allele origin: germline.

Neuberg Centre For Genomic Medicine, NCGM
Classification: Uncertain significance for DYRK1A-related intellectual disability syndrome. Review status: criteria provided, single submitter. Criteria: ACMG Guidelines, 2015. Collection method: clinical testing. Allele origin: germline. Inheritance: Autosomal dominant inheritance. Affected: yes.
Comment: The observed missense variant c.122G>C (p.Ser41Thr) in DYRK1A gene has not been reported previously as a pathogenic variant nor as a benign variant, to our knowledge. The variant p.Ser41Thr is present with an allele frequency of 0.0008% in gnomAD Exomes. This variant has not been submitted to the ClinVar database. The amino acid change p.Ser41Thr in DYRK1A is predicted as conserved by GERP++ and PhyloP across 100 vertebrates. The amino acid Ser at position 41 is changed to a Thr changing protein sequence and it might alter its composition and physico-chemical properties. For these reasons, this variant has been classified as Variant of Uncertain Significance (VUS).

NM_001347721.2(DYRK1A):c.122G>C (p.Ser41Thr)

Gene: DYRK1A (dual specificity tyrosine phosphorylation regulated kinase 1A; plus strand). Cytogenetic location: 21q22.13.
Variant type: single nucleotide variant.
Coding change: c.122G>C on transcript NM_001347721.2 (MANE Select); coding-DNA position 122, G replaced by C.
Protein change: p.Ser41Thr; replaces serine 41 with threonine.
Molecular consequence: missense variant.
Genome position (GRCh38, 1-based): chr21:37,472,795, G>C. VCF-style: chr21-37472795-G-C. GRCh37 (hg19) VCF-style: chr21-38845097-G-C.
Other names: c.122G>C, p.Ser41Thr (NM_001347722.2, NM_001396.5, NM_101395.2 and 2 more transcripts); c.35G>C, p.Ser12Thr (NM_001347723.2); c.122G>C (NM_001396.4); short protein forms S41T, S12T.
Identifiers: ClinVar variation 2959034 (VCV002959034.4), dbSNP rs754161665, ClinGen allele CA10023712.